The following is an entry in ClinVar:

NM_152305.3(POGLUT1):c.1121T>C (p.Val374Ala)

Gene: POGLUT1 (protein O-glucosyltransferase 1; plus strand). Cytogenetic location: 3q13.33.
Variant type: single nucleotide variant.
Coding change: c.1121T>C on transcript NM_152305.3 (MANE Select); coding-DNA position 1121, T replaced by C.
Protein change: p.Val374Ala; replaces valine 374 with alanine.
Molecular consequence: missense variant. On other transcripts: non-coding transcript variant (1).
Genome position (GRCh38, 1-based): chr3:119,492,380, T>C. VCF-style: chr3-119492380-T-C. GRCh37 (hg19) VCF-style: chr3-119211227-T-C.
Other names: short protein forms V374A.
Identifiers: ClinVar variation 3656024 (VCV003656024.2).
Genomic context (GRCh38, chr3:119,492,380, plus strand): 5'-ACATCACCTGTTACTGGGAGAACCTCTTGAGTGAATACTCTAAATTCCTGTCTTATAATG[T>C]AACGAGAAGGAAAGGTTATGATCAAATTATTCCCAAAATGTTGAAAACTGAACTATAGTA-3'
Protein context (NP_689518.1, residues 364-384): SEYSKFLSYN[Val374Ala]TRRKGYDQII

ClinVar aggregate classification (germline): Uncertain significance (1 of 4 stars; one submission).

gnomAD v4.1: 3 of 1,607,824 alleles (0.00019%); highest among the groups gnomAD compares: Non-Finnish European, 0.00026%; no homozygotes.

Submission:

Labcorp Genetics (formerly Invitae), Labcorp
Classification: Uncertain significance. Last evaluated: 2024-06-15. Review status: criteria provided, single submitter. Criteria: Invitae Variant Classification Sherloc (09022015). Collection method: clinical testing. Allele origin: germline.
Comment: This sequence change replaces valine, which is neutral and non-polar, with alanine, which is neutral and non-polar, at codon 374 of the POGLUT1 protein (p.Val374Ala). This variant is not present in population databases (gnomAD no frequency). This variant has not been reported in the literature in individuals affected with POGLUT1-related conditions. Advanced modeling of protein sequence and biophysical properties (such as structural, functional, and spatial information, amino acid conservation, physicochemical variation, residue mobility, and thermodynamic stability) performed at Invitae indicates that this missense variant is not expected to disrupt POGLUT1 protein function with a negative predictive value of 80%. In summary, the available evidence is currently insufficient to determine the role of this variant in disease. Therefore, it has been classified as a Variant of Uncertain Significance.